The following is an entry in ClinVar:

ClinVar aggregate classification (germline): Benign. Review status: criteria provided, multiple submitters, no conflicts (2 of 4 stars). 2 submissions from 2 submitters: Benign (2). Last evaluated 2018-01-13.

Conditions:
Immunodeficiency due to CD25 deficiency. Also called: IMMUNODEFICIENCY 41 WITH LYMPHOPROLIFERATION AND AUTOIMMUNITY; CD25 DEFICIENCY; IL2RA DEFICIENCY. Identifiers: Orphanet 169100, MedGen C1853392, MONDO:0011664, OMIM 606367.

Allele frequency attached by ClinVar (database versions not stated): 1000 Genomes Project 30x 0.37039; 1000 Genomes Project 0.37600; TOPMed 0.40809; gnomAD 0.41620 and 0.41693; gnomAD exomes 0.49048.
gnomAD v4.1: 63,581 of 152,244 alleles (42%); highest among the groups gnomAD compares: Non-Finnish European, 51%; 14,226 homozygotes.

Submissions (2):

Illumina Laboratory Services, Illumina
Classification: Benign for Immunodeficiency due to CD25 deficiency. Last evaluated: 2018-01-13. Review status: criteria provided, single submitter. Criteria: ICSL Variant Classification Criteria 13 December 2019. Collection method: clinical testing. Allele origin: germline.
Comment: This variant was observed in the ICSL laboratory as part of a predisposition screen in an ostensibly healthy population. It had not been previously curated by ICSL or reported in the Human Gene Mutation Database (HGMD: prior to June 1st, 2018), and was therefore a candidate for classification through an automated scoring system. Utilizing variant allele frequency, disease prevalence and penetrance estimates, and inheritance mode, an automated score was calculated to assess if this variant is too frequent to cause the disease. Based on the score and internal cut-off values, a variant classified as benign is not then subjected to further curation. The score for this variant resulted in a classification of benign for this disease.

Breakthrough Genomics
Classification: Benign. Review status: criteria provided, single submitter. Criteria: ACMG Guidelines, 2015. Collection method: not provided. Allele origin: germline. Inheritance: Autosomal recessive inheritance. Affected: yes.

NM_000417.3(IL2RA):c.*1267G>A

Gene: IL2RA (interleukin 2 receptor subunit alpha; minus strand). Cytogenetic location: 10p15.1.
Variant type: single nucleotide variant.
Coding change: c.*1267G>A on transcript NM_000417.3 (MANE Select); 1267 bases downstream of the stop codon, G replaced by A.
Molecular consequence: 3 prime UTR variant.
Genome position (GRCh38, 1-based): chr10:6,011,605, C>T on the plus strand (G>A on the coding strand, the complement: IL2RA is on the minus strand). VCF-style: chr10-6011605-C-T. GRCh37 (hg19) VCF-style: chr10-6053568-C-T.
Other names: c.*1267G>A (NM_001308242.2, NM_001308243.2).
Identifiers: ClinVar variation 300226 (VCV000300226.6), dbSNP rs1570538, ClinGen allele CA10635982.